The following is an entry in ClinVar:

ClinVar aggregate classification (germline): Uncertain significance (1 of 4 stars; one submission).

Conditions:
Spastic paraplegia. Identifiers: MedGen C0037772, HP:0001258.

Allele frequency attached by ClinVar (database versions not stated): TOPMed below 0.00001.

Submission:

Labcorp Genetics (formerly Invitae), Labcorp
Classification: Uncertain significance for Spastic paraplegia. Last evaluated: 2022-11-17. Review status: criteria provided, single submitter. Criteria: Invitae Variant Classification Sherloc (09022015). Collection method: clinical testing. Allele origin: germline.
Comment: In summary, the available evidence is currently insufficient to determine the role of this variant in disease. Therefore, it has been classified as a Variant of Uncertain Significance. Algorithms developed to predict the effect of missense changes on protein structure and function are either unavailable or do not agree on the potential impact of this missense change (SIFT: "Deleterious"; PolyPhen-2: "Benign"; Align-GVGD: "Class C0"). This variant has not been reported in the literature in individuals affected with RTN2-related conditions. This variant is not present in population databases (gnomAD no frequency). This sequence change replaces aspartic acid, which is acidic and polar, with tyrosine, which is neutral and polar, at codon 340 of the RTN2 protein (p.Asp340Tyr).

NM_005619.5(RTN2):c.1018G>T (p.Asp340Tyr)

Genes: RTN2 (reticulon 2; minus strand), OPA3-RTN2 (OPA3-RTN2 readthrough; minus strand). Cytogenetic location: 19q13.32.
Variant type: single nucleotide variant.
Coding change: c.1018G>T on transcript NM_005619.5 (MANE Select); coding-DNA position 1018, G replaced by T.
Protein change: p.Asp340Tyr; replaces aspartic acid 340 with tyrosine.
Molecular consequence: missense variant. On other transcripts: 5 prime UTR variant (1), intron variant (1).
Genome position (GRCh38, 1-based): chr19:45,493,175, C>A on the plus strand (G>T on the coding strand, the complement: RTN2 is on the minus strand). VCF-style: chr19-45493175-C-A. GRCh37 (hg19) VCF-style: chr19-45996433-C-A.
Other names: c.-3G>T (NM_206901.3); c.814+991G>T (NM_206900.3); short protein forms D340Y.
Identifiers: ClinVar variation 2909980 (VCV002909980.3), dbSNP rs1968197994, ClinGen allele CA406358043.